The following is an entry in ClinVar:

NM_024411.5(PDYN):c.*1396C>T

Genes: PDYN (prodynorphin; minus strand), PDYN-AS1 (PDYN antisense RNA 1; plus strand). Cytogenetic location: 20p13.
Variant type: single nucleotide variant.
Coding change: c.*1396C>T on transcript NM_024411.5 (MANE Select); 1396 bases downstream of the stop codon, C replaced by T.
Molecular consequence: 3 prime UTR variant.
Genome position (GRCh38, 1-based): chr20:1,978,927, G>A on the plus strand (C>T on the coding strand, the complement: PDYN is on the minus strand). VCF-style: chr20-1978927-G-A. GRCh37 (hg19) VCF-style: chr20-1959573-G-A.
Other names: c.*1396C>T (NM_001190892.1, NM_001190898.3, NM_001190899.2 and 1 more transcripts).
Identifiers: ClinVar variation 337808 (VCV000337808.5), dbSNP rs6106013, ClinGen allele CA10652389.

ClinVar aggregate classification (germline): Benign (1 of 4 stars; one submission).

Conditions:
Spinocerebellar ataxia type 23 (SCA23). Identifiers: Orphanet 101108, MedGen C1853250, MONDO:0012449, OMIM 610245.

Allele frequency attached by ClinVar (database versions not stated): gnomAD 0.00971 and 0.01038; TOPMed 0.01106; 1000 Genomes Project 30x 0.01124; 1000 Genomes Project 0.01158.

Submission:

Illumina Laboratory Services, Illumina
Classification: Benign for Spinocerebellar ataxia type 23. Last evaluated: 2018-01-13. Review status: criteria provided, single submitter. Criteria: ICSL Variant Classification Criteria 13 December 2019. Collection method: clinical testing. Allele origin: germline.
Comment: This variant was observed in the ICSL laboratory as part of a predisposition screen in an ostensibly healthy population. It had not been previously curated by ICSL or reported in the Human Gene Mutation Database (HGMD: prior to June 1st, 2018), and was therefore a candidate for classification through an automated scoring system. Utilizing variant allele frequency, disease prevalence and penetrance estimates, and inheritance mode, an automated score was calculated to assess if this variant is too frequent to cause the disease. Based on the score and internal cut-off values, a variant classified as benign is not then subjected to further curation. The score for this variant resulted in a classification of benign for this disease.